The following is an entry in ClinVar:

NM_001127649.3(PEX26):c.50G>A (p.Gly17Glu)

Gene: PEX26 (peroxisomal biogenesis factor 26; plus strand). Cytogenetic location: 22q11.21.
Variant type: single nucleotide variant.
Coding change: c.50G>A on transcript NM_001127649.3 (MANE Select); coding-DNA position 50, G replaced by A.
Protein change: p.Gly17Glu; replaces glycine 17 with glutamic acid.
Molecular consequence: missense variant.
Genome position (GRCh38, 1-based): chr22:18,078,426, G>A. VCF-style: chr22-18078426-G-A. GRCh37 (hg19) VCF-style: chr22-18561192-G-A.
Other names: c.50G>A, p.Gly17Glu (NM_001199319.2, NM_017929.6); short protein forms G17E.
Identifiers: ClinVar variation 1367143 (VCV001367143.6), dbSNP rs757324021, ClinGen allele CA10093207.

ClinVar aggregate classification (germline): Uncertain significance (1 of 4 stars; one submission).

Conditions:
Peroxisome biogenesis disorder 7A (Zellweger). Also called: Peroxisome biogenesis disorder 7A. Identifiers: Orphanet 912, MedGen C3888385, MONDO:0013938, OMIM 614872.
Peroxisome biogenesis disorder 7B (PBD7B). Identifiers: Orphanet 44, MedGen C3553951, MONDO:0013939, OMIM 614873.

Allele frequency attached by ClinVar (database versions not stated): gnomAD exomes 0.00001; ExAC 0.00002; gnomAD 0.00003 and 0.00004.
gnomAD v4.1: 11 of 1,589,370 alleles (0.00069%); highest among the groups gnomAD compares: Middle Eastern, 0.017%; no homozygotes.

Submission:

Labcorp Genetics (formerly Invitae), Labcorp
Classification: Uncertain significance for Peroxisome biogenesis disorder 7A (Zellweger); Peroxisome biogenesis disorder 7B. Last evaluated: 2022-11-01. Review status: criteria provided, single submitter. Criteria: Invitae Variant Classification Sherloc (09022015). Collection method: clinical testing. Allele origin: germline.
Comment: This sequence change replaces glycine, which is neutral and non-polar, with glutamic acid, which is acidic and polar, at codon 17 of the PEX26 protein (p.Gly17Glu). This variant is present in population databases (rs757324021, gnomAD 0.01%). This variant has not been reported in the literature in individuals affected with PEX26-related conditions. ClinVar contains an entry for this variant (Variation ID: 1367143). Algorithms developed to predict the effect of missense changes on protein structure and function are either unavailable or do not agree on the potential impact of this missense change (SIFT: "Tolerated"; PolyPhen-2: "Probably Damaging"; Align-GVGD: "Class C0"). In summary, the available evidence is currently insufficient to determine the role of this variant in disease. Therefore, it has been classified as a Variant of Uncertain Significance.